The following is an entry in ClinVar:

ClinVar aggregate classification (germline): Uncertain significance (1 of 4 stars; one submission).

Conditions:
Malignant hyperthermia, susceptibility to, 1 (MHS1). Also called: Anesthesia related hyperthermia; Malignant hyperpyrexia; Fulminating hyperpyrexia; Pharmacogenic myopathy; RYR1-Related Malignant Hyperthermia Susceptibility; Malignant hyperthermia suceptibility 1. Identifiers: Orphanet 423, MedGen C2930980, MONDO:0007783, OMIM 145600.

Submission:

All of Us Research Program, National Institutes of Health
Classification: Uncertain significance for Malignant hyperthermia, susceptibility to, 1. Last evaluated: 2024-02-22. Review status: criteria provided, single submitter. Criteria: ACMG Guidelines, 2015. Collection method: clinical testing. Allele origin: germline. Inheritance: Autosomal dominant inheritance. Observed: 1 variant allele, 1 heterozygote.
Comment: This missense variant replaces proline with arginine at codon 1402 of the RYR1 protein. Computational prediction is inconclusive regarding the impact of this variant on protein structure and function (internally defined REVEL score threshold 0.5 < inconclusive < 0.7, PMID: 27666373). To our knowledge, functional studies have not been reported for this variant. This variant has not been reported in individuals affected with RYR1-related disorders in the literature. This variant has not been identified in the general population by the Genome Aggregation Database (gnomAD). The available evidence is insufficient to determine the role of this variant in disease conclusively. Therefore, this variant is classified as a Variant of Uncertain Significance.

This study involves interpretation of variants in research participants for the purpose of population health screening. Participant phenotype was not available at the time of variant classification. Additional details can be found in publication PMID: 35346344, PMCID: PMC8962531

NM_000540.3(RYR1):c.4205C>G (p.Pro1402Arg)

Gene: RYR1 (ryanodine receptor 1; plus strand). Cytogenetic location: 19q13.2.
Variant type: single nucleotide variant.
Coding change: c.4205C>G on transcript NM_000540.3 (MANE Select); coding-DNA position 4205, C replaced by G.
Protein change: p.Pro1402Arg; replaces proline 1402 with arginine.
Molecular consequence: missense variant.
Genome position (GRCh38, 1-based): chr19:38,475,362, C>G. VCF-style: chr19-38475362-C-G. GRCh37 (hg19) VCF-style: chr19-38966002-C-G.
Other names: c.4205C>G, p.Pro1402Arg (NM_001042723.2); short protein forms P1402R.
Identifiers: ClinVar variation 3387706 (VCV003387706.1).
Genomic context (GRCh38, chr19:38,475,362, plus strand): 5'-CTCCTCCCACTACCAGCTTCTTATTCAAGGCCAAGAAGGTCGCCATGATGACCCAGCCAC[C>G]GGCCACCCCCACGCTGCCCCGACTCCCTCACGACGTGGTGCCTGCAGACAACCGCGATGA-3'
Protein context (NP_000531.2, residues 1392-1412): AKKVAMMTQP[Pro1402Arg]ATPTLPRLPH